The following is an entry in ClinVar:

ClinVar aggregate classification (germline): Likely benign (0 of 4 stars; one submission).

Conditions:
PLXNA3-related disorder. Also called: PLXNA3-related condition.

Allele frequency attached by ClinVar (database versions not stated): ESP Exome Variant Server 0.00009; gnomAD 0.00010; gnomAD exomes 0.00012; ExAC 0.00019; 1000 Genomes Project 30x 0.00021; TOPMed 0.00022; 1000 Genomes Project 0.00026.

Submission:

PreventionGenetics, part of Exact Sciences
Classification: Likely benign for PLXNA3-related condition. Last evaluated: 2021-11-04. Review status: no assertion criteria provided. Collection method: clinical testing. Allele origin: germline.
Comment: This variant is classified as likely benign based on ACMG/AMP sequence variant interpretation guidelines (Richards et al. 2015 PMID: 25741868, with internal and published modifications).

NM_017514.5(PLXNA3):c.4557G>A (p.Pro1519=)

Gene: PLXNA3 (plexin A3; plus strand). Cytogenetic location: Xq28.
Variant type: single nucleotide variant.
Coding change: c.4557G>A on transcript NM_017514.5 (MANE Select); coding-DNA position 4557, G replaced by A.
Protein change: p.Pro1519=; no amino-acid change (proline 1519 retained).
Molecular consequence: synonymous variant.
Genome position (GRCh38, 1-based): chrX:154,469,178, G>A. VCF-style: chrX-154469178-G-A. GRCh37 (hg19) VCF-style: chrX-153697521-G-A.
Identifiers: ClinVar variation 3035942 (VCV003035942.2), dbSNP rs371806256, ClinGen allele CA10564898.
Genomic context (GRCh38, chrX:154,469,178, plus strand): 5'-CTGTGACAGCATCACCCAGGCCAAAGATAAGCTGCTGGACACTGTGTACAAGGGCATTCC[G>A]TACTCCCAGCGTCCCAAAGCTGAGGACATGGACCTGGGTGAGGTCCCCACCCTCTCCTCC-3'
Protein context (NP_059984.3, residues 1509-1529): KLLDTVYKGI[Pro1519=]YSQRPKAEDM